The following is an entry in ClinVar:

NM_022455.5(NSD1):c.4127C>A (p.Pro1376His)

Gene: NSD1 (nuclear receptor binding SET domain protein 1; plus strand). Cytogenetic location: 5q35.3.
Variant type: single nucleotide variant.
Coding change: c.4127C>A on transcript NM_022455.5 (MANE Select); coding-DNA position 4127, C replaced by A.
Protein change: p.Pro1376His; replaces proline 1376 with histidine.
Molecular consequence: missense variant.
Genome position (GRCh38, 1-based): chr5:177,238,442, C>A. VCF-style: chr5-177238442-C-A. GRCh37 (hg19) VCF-style: chr5-176665443-C-A.
Other names: c.3254C>A, p.Pro1085His (NM_001365684.2, NM_001409306.1, NM_001409307.1 and 3 more transcripts); c.4127C>A, p.Pro1376His (NM_001409301.1, NM_001409302.1, NM_001409303.1); c.3707C>A, p.Pro1236His (NM_001409304.1); c.3374C>A, p.Pro1125His (NM_001409305.1); short protein forms P1085H, P1125H, P1236H, P1376H.
Identifiers: ClinVar variation 3068761 (VCV003068761.2), dbSNP rs1431048535, ClinGen allele CA362341299.

ClinVar aggregate classification (germline): Uncertain significance (1 of 4 stars; one submission).

Allele frequency attached by ClinVar (database versions not stated): gnomAD exomes below 0.00001; gnomAD 0.00001; TOPMed 0.00002.
gnomAD v4.1: 3 of 1,614,024 alleles (0.00019%); highest among the groups gnomAD compares: African/African-American, 0.004%; no homozygotes.

Submission:

Women's Health and Genetics/Laboratory Corporation of America, LabCorp
Classification: Uncertain significance. Last evaluated: 2024-02-12. Review status: criteria provided, single submitter. Criteria: LabCorp Variant Classification Summary - May 2015. Collection method: clinical testing. Allele origin: germline.
Comment: Variant summary: NSD1 c.4127C>A (p.Pro1376His) results in a non-conservative amino acid change in the encoded protein sequence. Five of five in-silico tools predict a damaging effect of the variant on protein function. The variant was absent in 251234 control chromosomes (gnomAD). The available data on variant occurrences in the general population are insufficient to allow any conclusion about variant significance. To our knowledge, no occurrence of c.4127C>A in individuals affected with Sotos Syndrome and no experimental evidence demonstrating its impact on protein function have been reported. No submitters have cited clinical-significance assessments for this variant to ClinVar. Based on the evidence outlined above, the variant was classified as uncertain significance.